The following is an entry in ClinVar:

NM_198578.4(LRRK2):c.5856G>C (p.Lys1952Asn)

Gene: LRRK2 (leucine rich repeat kinase 2; plus strand). Cytogenetic location: 12q12.
Variant type: single nucleotide variant.
Coding change: c.5856G>C on transcript NM_198578.4 (MANE Select); coding-DNA position 5856, G replaced by C.
Protein change: p.Lys1952Asn; replaces lysine 1952 with asparagine.
Molecular consequence: missense variant.
Genome position (GRCh38, 1-based): chr12:40,335,065, G>C. VCF-style: chr12-40335065-G-C. GRCh37 (hg19) VCF-style: chr12-40728867-G-C.
Other names: short protein forms K1952N.
Identifiers: ClinVar variation 3540742 (VCV003540742.1).
Genomic context (GRCh38, chr12:40,335,065, plus strand): 5'-GATATCTTTGCTGGCAGCTGGGATTCGTCCCCGGATGTTGGTGATGGAGTTAGCCTCCAA[G>C]GGTTCCTTGGATCGCCTGCTTCAGCAGGACAAAGCCAGCCTCACTAGAACCCTACAGCAC-3'
Protein context (NP_940980.4, residues 1942-1962): PRMLVMELAS[Lys1952Asn]GSLDRLLQQD

ClinVar aggregate classification (germline): Uncertain significance (1 of 4 stars; one submission).

Conditions:
Inborn genetic diseases. Identifiers: MedGen C0950123, MeSH D030342.

Submission:

Ambry Genetics
Classification: Uncertain significance for Inborn genetic diseases. Last evaluated: 2024-10-21. Review status: criteria provided, single submitter. Criteria: Ambry Variant Classification Scheme 2023. Collection method: clinical testing. Allele origin: germline.
Comment: The p.K1952N variant (also known as c.5856G>C), located in coding exon 40 of the LRRK2 gene, results from a G to C substitution at nucleotide position 5856. The lysine at codon 1952 is replaced by asparagine, an amino acid with similar properties. This amino acid position is conserved. In addition, this alteration is predicted to be tolerated by in silico analysis. Based on the available evidence, the clinical significance of this variant remains unclear.